The following is an entry in ClinVar:

NM_002474.3(MYH11):c.3968T>C (p.Leu1323Pro)

Genes: NDE1 (nudE neurodevelopment protein 1; plus strand), MYH11 (myosin heavy chain 11; minus strand). Cytogenetic location: 16p13.11.
Variant type: single nucleotide variant.
Coding change: c.3968T>C on transcript NM_002474.3 (MANE Select); coding-DNA position 3968, T replaced by C.
Protein change: p.Leu1323Pro; replaces leucine 1323 with proline.
Molecular consequence: missense variant. On other transcripts: 3 prime UTR variant (2).
Genome position (GRCh38, 1-based): chr16:15,724,795, A>G on the plus strand (T>C on the coding strand, the complement: MYH11 is on the minus strand). VCF-style: chr16-15724795-A-G. GRCh37 (hg19) VCF-style: chr16-15818652-A-G.
Other names: c.3989T>C, p.Leu1330Pro (NM_001040113.2, NM_001040114.2); c.3968T>C, p.Leu1323Pro (NM_022844.3); c.*544A>G (NM_001143979.2, NM_017668.3); short protein forms L1323P, L1330P.
Identifiers: ClinVar variation 2563075 (VCV002563075.2), dbSNP rs2506144389, ClinGen allele CA394858688.

ClinVar aggregate classification (germline): Uncertain significance (1 of 4 stars; one submission).

Conditions:
Familial thoracic aortic aneurysm and aortic dissection (TAAD). Also called: Thoracic aortic aneurysms and dissections. Identifiers: Orphanet 91387, MedGen C4707243, MONDO:0019625.

Submission:

Ambry Genetics
Classification: Uncertain significance for Familial thoracic aortic aneurysm and aortic dissection. Last evaluated: 2023-05-21. Review status: criteria provided, single submitter. Criteria: Ambry Variant Classification Scheme 2023. Collection method: clinical testing. Allele origin: germline.
Comment: The p.L1323P variant (also known as c.3968T>C), located in coding exon 29 of the MYH11 gene, results from a T to C substitution at nucleotide position 3968. The leucine at codon 1323 is replaced by proline, an amino acid with similar properties. This amino acid position is conserved. In addition, this alteration is predicted to be deleterious by in silico analysis. Since supporting evidence is limited at this time, the clinical significance of this alteration remains unclear.